The following is an entry in ClinVar:

ClinVar aggregate classification (germline): Likely benign (1 of 4 stars; one submission).

Submission:

GeneDx
Classification: Likely benign. Last evaluated: 2017-11-24. Review status: criteria provided, single submitter. Criteria: GeneDx Variant Classification (06012015). Collection method: clinical testing. Allele origin: germline. Affected: yes.
Comment: This variant is considered likely benign or benign based on one or more of the following criteria: it is a conservative change, it occurs at a poorly conserved position in the protein, it is predicted to be benign by multiple in silico algorithms, and/or has population frequency not consistent with disease.

NM_018941.4(CLN8):c.46C>T (p.Leu16=)

Gene: CLN8 (CLN8 transmembrane ER and ERGIC protein; plus strand). Cytogenetic location: 8p23.3.
Variant type: single nucleotide variant.
Coding change: c.46C>T on transcript NM_018941.4 (MANE Select); coding-DNA position 46, C replaced by T.
Protein change: p.Leu16=; no amino-acid change (leucine 16 retained).
Molecular consequence: synonymous variant.
Genome position (GRCh38, 1-based): chr8:1,771,100, C>T. VCF-style: chr8-1771100-C-T. GRCh37 (hg19) VCF-style: chr8-1719266-C-T.
Identifiers: ClinVar variation 513540 (VCV000513540.1), dbSNP rs386834129, ClinGen allele CA459142835.
Genomic context (GRCh38, chr8:1,771,100, plus strand): 5'-ATATAGCTGTGGACAATGAATCCTGCGAGCGATGGGGGCACATCAGAGAGCATTTTTGAC[C>T]TGGACTATGCATCCTGGGGGATCCGCTCCACGCTGATGGTCGCTGGCTTTGTCTTCTACT-3'
Protein context (NP_061764.2, residues 6-26): DGGTSESIFD[Leu16=]DYASWGIRST